The following is an entry in ClinVar:

NM_003489.4(NRIP1):c.2038G>A (p.Ala680Thr)

Gene: NRIP1 (nuclear receptor interacting protein 1; minus strand). Cytogenetic location: 21q11.2.
Variant type: single nucleotide variant.
Coding change: c.2038G>A on transcript NM_003489.4 (MANE Select); coding-DNA position 2038, G replaced by A.
Protein change: p.Ala680Thr; replaces alanine 680 with threonine.
Molecular consequence: missense variant.
Genome position (GRCh38, 1-based): chr21:14,966,155, C>T on the plus strand (G>A on the coding strand, the complement: NRIP1 is on the minus strand). VCF-style: chr21-14966155-C-T. GRCh37 (hg19) VCF-style: chr21-16338476-C-T.
Other names: c.2038G>A (NM_003489.3); short protein forms A680T.
Identifiers: ClinVar variation 2164085 (VCV002164085.7), dbSNP rs541238655, ClinGen allele CA9981226.
Genomic context (GRCh38, chr21:14,966,155, plus strand): 5'-CAGAAAGCCCTGGTTCAGGACCTGTTGGTTGACTACTAAATGCTTTATTTTCTTCAACTG[C>T]ATTTGTTTTATTTGAGAGCAAAGGGCTATTTAATCTATCAATCATACCTATCGGTTTATC-3'
Protein context (NP_003480.2, residues 670-690): NSPLLSNKTN[Ala680Thr]VEENKAFSSQ

ClinVar aggregate classification (germline): Likely benign. Review status: criteria provided, multiple submitters, no conflicts (2 of 4 stars). 3 submissions from 3 submitters: Likely benign (2). 1 of the submissions does not count toward it. Last evaluated 2025-08-24.

Conditions:
Congenital anomalies of kidney and urinary tract 3. Identifiers: MedGen C4748921, MONDO:0032646, OMIM 618270.
NRIP1-related disorder. Also called: NRIP1-related condition.

Allele frequency attached by ClinVar (database versions not stated): 1000 Genomes Project 30x 0.00047; 1000 Genomes Project 0.00060; ExAC 0.00062; TOPMed 0.00002; gnomAD 0.00013; gnomAD exomes 0.00032.
gnomAD v4.1: 482 of 1,613,382 alleles (0.03%); highest among the groups gnomAD compares: South Asian, 0.5%; 7 homozygotes.

Submissions (3):

Labcorp Genetics (formerly Invitae), Labcorp
Classification: Likely benign. Last evaluated: 2025-08-24. Review status: criteria provided, single submitter. Criteria: Invitae Variant Classification Sherloc (09022015). Collection method: clinical testing. Allele origin: germline.

Department of Pathology and Laboratory Medicine, Sinai Health System
Classification: Likely benign for Congenital anomalies of kidney and urinary tract 3. Last evaluated: 2021-07-30. Review status: criteria provided, single submitter. Criteria: ACMG Guidelines, 2015. Collection method: research. Allele origin: germline.

PreventionGenetics, part of Exact Sciences
Classification: Likely benign for NRIP1-related condition. Last evaluated: 2021-03-02. Review status: no assertion criteria provided. Collection method: clinical testing. Allele origin: germline. Not counted in ClinVar's aggregate classification.
Comment: This variant is classified as likely benign based on ACMG/AMP sequence variant interpretation guidelines (Richards et al. 2015 PMID: 25741868, with internal and published modifications).